The following is an entry in ClinVar:

NM_001044385.3(TMEM237):c.311G>A (p.Ser104Asn)

Gene: TMEM237 (transmembrane protein 237; minus strand). Cytogenetic location: 2q33.1.
Variant type: single nucleotide variant.
Coding change: c.311G>A on transcript NM_001044385.3 (MANE Select); coding-DNA position 311, G replaced by A.
Protein change: p.Ser104Asn; replaces serine 104 with asparagine.
Molecular consequence: missense variant.
Genome position (GRCh38, 1-based): chr2:201,633,395, C>T on the plus strand (G>A on the coding strand, the complement: TMEM237 is on the minus strand). VCF-style: chr2-201633395-C-T. GRCh37 (hg19) VCF-style: chr2-202498118-C-T.
Other names: c.287G>A, p.Ser96Asn (NM_152388.4); short protein forms S104N, S96N.
Identifiers: ClinVar variation 853048 (VCV000853048.11), dbSNP rs1687222402, ClinGen allele CA350314214.
Genomic context (GRCh38, chr2:201,633,395, plus strand): 5'-ATAACTGCCTCCTCAGCTGGCTCCGCATCAATACCATTTTCATTTCGTAATAAAGATGAA[C>T]TAGATGACTTCTTTTGGGTGGAGGAAGTCTCCAATTCTGAAAACAAAATAAATTTAACTT-3'
Protein context (NP_001037850.1, residues 94-114): ETSSTQKKSS[Ser104Asn]SSLLRNENGI

ClinVar aggregate classification (germline): Uncertain significance (1 of 4 stars; one submission).

Conditions:
Joubert syndrome 14 (JBTS14). Identifiers: MedGen C3280766, MONDO:0013745, OMIM 614424.

Submission:

Labcorp Genetics (formerly Invitae), Labcorp
Classification: Uncertain significance for Joubert syndrome 14. Last evaluated: 2022-07-18. Review status: criteria provided, single submitter. Criteria: Invitae Variant Classification Sherloc (09022015). Collection method: clinical testing. Allele origin: germline.
Comment: This sequence change replaces serine, which is neutral and polar, with asparagine, which is neutral and polar, at codon 104 of the TMEM237 protein (p.Ser104Asn). In summary, the available evidence is currently insufficient to determine the role of this variant in disease. Therefore, it has been classified as a Variant of Uncertain Significance. Algorithms developed to predict the effect of missense changes on protein structure and function output the following: SIFT: "Tolerated"; PolyPhen-2: "Benign"; Align-GVGD: "Class C0". The asparagine amino acid residue is found in multiple mammalian species, which suggests that this missense change does not adversely affect protein function. ClinVar contains an entry for this variant (Variation ID: 853048). This variant has not been reported in the literature in individuals affected with TMEM237-related conditions. This variant is not present in population databases (gnomAD no frequency).